The following is an entry in ClinVar:

ClinVar aggregate classification (germline): Conflicting classifications of pathogenicity. Review status: criteria provided, conflicting classifications (1 of 4 stars). 4 submissions from 4 submitters: Uncertain significance (3); Likely benign (1). Last evaluated 2026-01-13.

Conditions:
ALPK3-related disorder. Also called: ALPK3-related condition.
Cardiovascular phenotype. Identifiers: MedGen CN230736.

Allele frequency attached by ClinVar (database versions not stated): TOPMed 0.00012; gnomAD 0.00017 and 0.00018; ExAC 0.00021; ESP Exome Variant Server 0.00023.
gnomAD v4.1: 175 of 1,613,948 alleles (0.011%); highest among the groups gnomAD compares: African/African-American, 0.024%; no homozygotes.

Submissions (4):

Labcorp Genetics (formerly Invitae), Labcorp
Classification: Uncertain significance. Last evaluated: 2026-01-13. Review status: criteria provided, single submitter. Criteria: Invitae Variant Classification Sherloc (09022015). Collection method: clinical testing. Allele origin: germline.
Comment: This sequence change replaces alanine, which is neutral and non-polar, with threonine, which is neutral and polar, at codon 918 of the ALPK3 protein (p.Ala918Thr). This variant is present in population databases (rs201330184, gnomAD 0.03%). This variant has not been reported in the literature in individuals affected with ALPK3-related conditions. ClinVar contains an entry for this variant (Variation ID: 393191). Invitae Evidence Modeling of protein sequence and biophysical properties (such as structural, functional, and spatial information, amino acid conservation, physicochemical variation, residue mobility, and thermodynamic stability) indicates that this missense variant is not expected to disrupt ALPK3 protein function with a negative predictive value of 80%. In summary, the available evidence is currently insufficient to determine the role of this variant in disease. Therefore, it has been classified as a Variant of Uncertain Significance.

PreventionGenetics, part of Exact Sciences
Classification: Uncertain significance for ALPK3-related condition. Last evaluated: 2025-05-07. Review status: criteria provided, single submitter. Criteria: ACMG Guidelines, 2015. Collection method: clinical testing. Allele origin: germline.
Comment: The ALPK3 c.2752G>A variant is predicted to result in the amino acid substitution p.Ala918Thr. To our knowledge, this variant has not been reported in the literature. This variant is reported in 0.040% of alleles in individuals of African descent in gnomAD. At this time, the clinical significance of this variant is uncertain due to the absence of conclusive functional and genetic evidence.

Ambry Genetics
Classification: Likely benign for Cardiovascular phenotype. Last evaluated: 2024-06-06. Review status: criteria provided, single submitter. Criteria: Ambry Variant Classification Scheme 2023. Collection method: clinical testing. Allele origin: germline.

GeneDx
Classification: Uncertain significance. Last evaluated: 2023-05-15. Review status: criteria provided, single submitter. Criteria: GeneDx Variant Classification Process June 2021. Collection method: clinical testing. Allele origin: germline. Affected: yes.
Comment: Has not been previously published as pathogenic or benign to our knowledge; In silico analysis supports that this missense variant does not alter protein structure/function

NM_020778.5(ALPK3):c.2146G>A (p.Ala716Thr)

Gene: ALPK3 (alpha kinase 3; plus strand). Cytogenetic location: 15q25.3.
Variant type: single nucleotide variant.
Coding change: c.2146G>A on transcript NM_020778.5 (MANE Select); coding-DNA position 2146, G replaced by A.
Protein change: p.Ala716Thr; replaces alanine 716 with threonine.
Molecular consequence: missense variant.
Genome position (GRCh38, 1-based): chr15:84,856,884, G>A. VCF-style: chr15-84856884-G-A. GRCh37 (hg19) VCF-style: chr15-85400115-G-A.
Other names: short protein forms A918T, A716T.
Identifiers: ClinVar variation 393191 (VCV000393191.15), dbSNP rs201330184, ClinGen allele CA7709346.
Genomic context (GRCh38, chr15:84,856,884, plus strand): 5'-AGAAGGATGCAGGGAGAGAAGGGGATGCAGGGAGAGAAGGGGACGCAGTCAGAGGGGAGC[G>A]CGCCCACAGCCATGGAAGGTCAGTCTGAGCAAGAGGTGGCAACCAGCCTCGGCCCACCAT-3'
Protein context (NP_065829.4, residues 706-726): GEKGTQSEGS[Ala716Thr]PTAMEGQSEQ